The following is an entry in ClinVar:

NM_018292.5(QRSL1):c.1294G>A (p.Glu432Lys)

Gene: QRSL1 (glutaminyl-tRNA amidotransferase subunit QRSL1; plus strand). Cytogenetic location: 6q21.
Variant type: single nucleotide variant.
Coding change: c.1294G>A on transcript NM_018292.5 (MANE Select); coding-DNA position 1294, G replaced by A.
Protein change: p.Glu432Lys; replaces glutamic acid 432 with lysine.
Molecular consequence: missense variant.
Genome position (GRCh38, 1-based): chr6:106,663,113, G>A. VCF-style: chr6-106663113-G-A. GRCh37 (hg19) VCF-style: chr6-107110988-G-A.
Other names: c.1294G>A (NM_018292.4); short protein forms E432K.
Identifiers: ClinVar variation 2057960 (VCV002057960.5), dbSNP rs140028828, ClinGen allele CA3944994.

ClinVar aggregate classification (germline): Likely benign. Review status: criteria provided, multiple submitters, no conflicts (2 of 4 stars). 2 submissions from 2 submitters: Likely benign (2). Last evaluated 2026-05-01.

Conditions:
QRSL1-related disorder. Also called: QRSL1-related condition.

Allele frequency attached by ClinVar (database versions not stated): gnomAD exomes 0.00007; ExAC 0.00022; ESP Exome Variant Server 0.00054; gnomAD 0.00092; TOPMed 0.00099; 1000 Genomes Project 30x 0.00203; 1000 Genomes Project 0.00220.
gnomAD v4.1: 249 of 1,614,156 alleles (0.015%); highest among the groups gnomAD compares: African/African-American, 0.31%; no homozygotes.

Submissions (2):

PreventionGenetics, part of Exact Sciences
Classification: Likely benign for QRSL1-related condition. Last evaluated: 2026-05-01. Review status: criteria provided, single submitter. Criteria: ACMG Guidelines, 2015. Collection method: clinical testing. Allele origin: germline.
Comment: This variant is classified as likely benign based on ACMG/AMP sequence variant interpretation guidelines (Richards et al. 2015 PMID: 25741868, with internal and published modifications).

Labcorp Genetics (formerly Invitae), Labcorp
Classification: Likely benign. Last evaluated: 2025-09-02. Review status: criteria provided, single submitter. Criteria: Invitae Variant Classification Sherloc (09022015). Collection method: clinical testing. Allele origin: germline.